The following is an entry in ClinVar:

NM_014014.5(SNRNP200):c.1693A>G (p.Thr565Ala)

Gene: SNRNP200 (small nuclear ribonucleoprotein U5 subunit 200; minus strand). Cytogenetic location: 2q11.2.
Variant type: single nucleotide variant.
Coding change: c.1693A>G on transcript NM_014014.5 (MANE Select); coding-DNA position 1693, A replaced by G.
Protein change: p.Thr565Ala; replaces threonine 565 with alanine.
Molecular consequence: missense variant.
Genome position (GRCh38, 1-based): chr2:96,295,637, T>C on the plus strand (A>G on the coding strand, the complement: SNRNP200 is on the minus strand). VCF-style: chr2-96295637-T-C. GRCh37 (hg19) VCF-style: chr2-96961375-T-C.
Other names: short protein forms T565A.
Identifiers: ClinVar variation 1041246 (VCV001041246.9), dbSNP rs2063912153, ClinGen allele CA347681154.

ClinVar aggregate classification (germline): Conflicting classifications of pathogenicity. Review status: criteria provided, conflicting classifications (1 of 4 stars). 2 submissions from 2 submitters: Uncertain significance (1); Benign (1). Last evaluated 2025-03-17.

Conditions:
Retinal dystrophy. Also called: Inherited retinal dystrophy. Identifiers: Orphanet 71862, MedGen C0854723, MeSH D058499, MONDO:0019118, HP:0000556.

Allele frequency attached by ClinVar (database versions not stated): gnomAD exomes 0.00001.

Submissions (2):

Labcorp Genetics (formerly Invitae), Labcorp
Classification: Uncertain significance. Last evaluated: 2025-03-17. Review status: criteria provided, single submitter. Criteria: Invitae Variant Classification Sherloc (09022015). Collection method: clinical testing. Allele origin: germline.
Comment: This sequence change replaces threonine, which is neutral and polar, with alanine, which is neutral and non-polar, at codon 565 of the SNRNP200 protein (p.Thr565Ala). This variant is not present in population databases (gnomAD no frequency). This variant has not been reported in the literature in individuals affected with SNRNP200-related conditions. ClinVar contains an entry for this variant (Variation ID: 1041246). Invitae Evidence Modeling of protein sequence and biophysical properties (such as structural, functional, and spatial information, amino acid conservation, physicochemical variation, residue mobility, and thermodynamic stability) indicates that this missense variant is not expected to disrupt SNRNP200 protein function with a negative predictive value of 95%. In summary, the available evidence is currently insufficient to determine the role of this variant in disease. Therefore, it has been classified as a Variant of Uncertain Significance.

Dept Of Ophthalmology, Nagoya University
Classification: Benign for Retinal dystrophy. Last evaluated: 2023-10-01. Review status: criteria provided, single submitter. Criteria: Submitter's publication. Collection method: research. Allele origin: germline. Affected: yes.